The following is an entry in ClinVar:

ClinVar aggregate classification (germline): Likely pathogenic (1 of 4 stars; one submission).

Conditions:
Cardiovascular phenotype. Identifiers: MedGen CN230736.

Submission:

Ambry Genetics
Classification: Likely pathogenic for Cardiovascular phenotype. Last evaluated: 2024-09-04. Review status: criteria provided, single submitter. Criteria: Ambry Variant Classification Scheme 2023. Collection method: clinical testing. Allele origin: germline.
Comment: The c.17009dupA variant, located in coding exon 66 of the TTN gene, results from a duplication of A at nucleotide position 17009, causing a translational frameshift with a predicted alternate stop codon (p.N5670Kfs*18). This exon is located in the I-band region of the N2-B isoform of the titin protein and is constitutively expressed in TTN transcripts (percent spliced in or PSI 100%). This alteration is expected to result in loss of function by premature protein truncation or nonsense-mediated mRNA decay. While truncating variants in TTN are present in 1-3% of the general population, truncating variants in the A-band are the most common cause of dilated cardiomyopathy (DCM) (Herman DS et al. N. Engl. J. Med., 2012 Feb;366:619-28; Roberts AM et al. Sci Transl Med, 2015 Jan;7:270ra6). TTN truncating variants encoded in constitutive exons (PSI >90%) have been found to be significantly associated with DCM regardless of their position in titin (Schafer S et al. Nat. Genet., 2017 01;49:46-53). This variant is considered to be rare based on population cohorts in the Genome Aggregation Database (gnomAD). Based on the majority of available evidence to date, this variant is likely to be pathogenic.

NM_001267550.2(TTN):c.44204dup (p.Asn14735fs)

Gene: TTN (titin; minus strand). Cytogenetic location: 2q31.2.
Variant type: Duplication.
Coding change: c.44204dup on transcript NM_001267550.2 (MANE Select); coding-DNA position 44204, one base duplicated (A; older notation c.44204dupA).
Protein change: p.Asn14735fs; shifts the reading frame from asparagine 14735.
Molecular consequence: frameshift variant.
Genome position (GRCh38, 1-based): chr2:178,630,318, T duplicated on the plus strand (A on the coding strand, the reverse complement: TTN is on the minus strand); the first of 2 consecutive T bases (chr2:178,630,318-178,630,319); duplicating either gives the same sequence. VCF-style (leftmost placement, unchanged base first): chr2-178630317-G-GT. GRCh37 (hg19) VCF-style: chr2-179495044-G-GT.
Other names: c.39281dup, p.Asn13094fs (NM_001256850.1); c.17009dup, p.Asn5670fs (NM_003319.4); c.36500dup, p.Asn12167fs (NM_133378.4); c.17384dup, p.Asn5795fs (NM_133432.3); c.17585dup, p.Asn5862fs (NM_133437.4); c.17009dupA (NM_003319.4); short protein forms N12167fs, N13094fs, N5670fs, N5795fs, N5862fs, N14735fs.
Identifiers: ClinVar variation 3463758 (VCV003463758.1).